The following is an entry in ClinVar:

NM_004523.4(KIF11):c.2318G>T (p.Cys773Phe)

Gene: KIF11 (kinesin family member 11; plus strand). Cytogenetic location: 10q23.33.
Variant type: single nucleotide variant.
Coding change: c.2318G>T on transcript NM_004523.4 (MANE Select); coding-DNA position 2318, G replaced by T.
Protein change: p.Cys773Phe; replaces cysteine 773 with phenylalanine.
Molecular consequence: missense variant.
Genome position (GRCh38, 1-based): chr10:92,645,413, G>T. VCF-style: chr10-92645413-G-T. GRCh37 (hg19) VCF-style: chr10-94405170-G-T.
Other names: short protein forms C773F.
Identifiers: ClinVar variation 2040383 (VCV002040383.4), dbSNP rs1844907970, ClinGen allele CA377593957.

ClinVar aggregate classification (germline): Uncertain significance (1 of 4 stars; one submission).

Submission:

Labcorp Genetics (formerly Invitae), Labcorp
Classification: Uncertain significance. Last evaluated: 2021-12-18. Review status: criteria provided, single submitter. Criteria: Invitae Variant Classification Sherloc (09022015). Collection method: clinical testing. Allele origin: germline.
Comment: In summary, the available evidence is currently insufficient to determine the role of this variant in disease. Therefore, it has been classified as a Variant of Uncertain Significance. Algorithms developed to predict the effect of missense changes on protein structure and function (SIFT, PolyPhen-2, Align-GVGD) all suggest that this variant is likely to be tolerated. This variant has not been reported in the literature in individuals affected with KIF11-related conditions. This variant is not present in population databases (gnomAD no frequency). This sequence change replaces cysteine, which is neutral and slightly polar, with phenylalanine, which is neutral and non-polar, at codon 773 of the KIF11 protein (p.Cys773Phe).